The following is an entry in ClinVar:

NM_001379081.2(FREM1):c.1157A>C (p.Glu386Ala)

Gene: FREM1 (FRAS1 related extracellular matrix 1; minus strand). Cytogenetic location: 9p22.3.
Variant type: single nucleotide variant.
Coding change: c.1157A>C on transcript NM_001379081.2 (MANE Select); coding-DNA position 1157, A replaced by C.
Protein change: p.Glu386Ala; replaces glutamic acid 386 with alanine.
Molecular consequence: missense variant. On other transcripts: non-coding transcript variant (4).
Genome position (GRCh38, 1-based): chr9:14,848,769, T>G on the plus strand (A>C on the coding strand, the complement: FREM1 is on the minus strand). VCF-style: chr9-14848769-T-G. GRCh37 (hg19) VCF-style: chr9-14848767-T-G.
Other names: c.1184A>C, p.Glu395Ala (NM_001370060.1); c.1157A>C, p.Glu386Ala (NM_001370063.1, NM_001370065.1, NM_144966.7); short protein forms E386A, E395A.
Identifiers: ClinVar variation 2136745 (VCV002136745.4), dbSNP rs545954015, ClinGen allele CA4991340.

ClinVar aggregate classification (germline): Uncertain significance (1 of 4 stars; one submission).

Allele frequency attached by ClinVar (database versions not stated): gnomAD exomes 0.00001; gnomAD 0.00003; TOPMed 0.00003; ExAC 0.00007; 1000 Genomes Project 30x 0.00047; 1000 Genomes Project 0.00060.
gnomAD v4.1: 21 of 1,598,812 alleles (0.0013%); highest among the groups gnomAD compares: East Asian, 0.045%; no homozygotes.

Submission:

Labcorp Genetics (formerly Invitae), Labcorp
Classification: Uncertain significance. Last evaluated: 2024-06-03. Review status: criteria provided, single submitter. Criteria: Invitae Variant Classification Sherloc (09022015). Collection method: clinical testing. Allele origin: germline.
Comment: This sequence change replaces glutamic acid, which is acidic and polar, with alanine, which is neutral and non-polar, at codon 386 of the FREM1 protein (p.Glu386Ala). This variant is present in population databases (rs545954015, gnomAD 0.1%). This missense change has been observed in individual(s) with hydrocephalus and short-limbed dwarfism (PMID: 28622873). ClinVar contains an entry for this variant (Variation ID: 2136745). Advanced modeling of protein sequence and biophysical properties (such as structural, functional, and spatial information, amino acid conservation, physicochemical variation, residue mobility, and thermodynamic stability) performed at Invitae indicates that this missense variant is expected to disrupt FREM1 protein function with a positive predictive value of 80%. In summary, the available evidence is currently insufficient to determine the role of this variant in disease. Therefore, it has been classified as a Variant of Uncertain Significance.

Literature cited by the submitters: PubMed 28622873.